The following is an entry in ClinVar:

NM_000448.3(RAG1):c.416G>T (p.Gly139Val)

Gene: RAG1 (recombination activating 1; plus strand). Cytogenetic location: 11p12.
Variant type: single nucleotide variant.
Coding change: c.416G>T on transcript NM_000448.3 (MANE Select); coding-DNA position 416, G replaced by T.
Protein change: p.Gly139Val; replaces glycine 139 with valine.
Molecular consequence: missense variant.
Genome position (GRCh38, 1-based): chr11:36,573,720, G>T. VCF-style: chr11-36573720-G-T. GRCh37 (hg19) VCF-style: chr11-36595270-G-T.
Other names: c.416G>T, p.Gly139Val (NM_001377277.1, NM_001377278.1, NM_001377279.1 and 1 more transcripts); short protein forms G139V.
Identifiers: ClinVar variation 636468 (VCV000636468.5), dbSNP rs140648865, ClinGen allele CA5949976.

ClinVar aggregate classification (germline): Uncertain significance. Review status: criteria provided, multiple submitters, no conflicts (2 of 4 stars). 2 submissions from 2 submitters: Uncertain significance (2). Last evaluated 2022-09-26.

Conditions:
Severe combined immunodeficiency, autosomal recessive, T cell-negative, B cell-negative, NK cell-positive. Also called: SCID, AR, T-cell negative, B-cell negative, NK cell-positive; SCID, T CELL-NEGATIVE, B CELL-NEGATIVE, NK CELL-POSITIVE; Severe combined immunodeficiency due to complete RAG1/2 deficiency. Identifiers: Orphanet 331206, MedGen C1832322, MONDO:0011086, OMIM 601457.
Combined immunodeficiency with skin granulomas. Identifiers: Orphanet 157949, MedGen C2673536, MONDO:0009306, OMIM 233650.

Allele frequency attached by ClinVar (database versions not stated): gnomAD 0.00001; gnomAD exomes 0.00001; ExAC 0.00002; TOPMed 0.00002; ESP Exome Variant Server 0.00008.
gnomAD v4.1: 33 of 1,613,864 alleles (0.002%); highest among the groups gnomAD compares: Middle Eastern, 0.41%; 2 homozygotes.

Submissions (2):

Labcorp Genetics (formerly Invitae), Labcorp
Classification: Uncertain significance for Combined immunodeficiency with skin granulomas; Severe combined immunodeficiency, autosomal recessive, T cell-negative, B cell-negative, NK cell-positive. Last evaluated: 2022-09-26. Review status: criteria provided, single submitter. Criteria: Invitae Variant Classification Sherloc (09022015). Collection method: clinical testing. Allele origin: germline.
Comment: This sequence change replaces glycine, which is neutral and non-polar, with valine, which is neutral and non-polar, at codon 139 of the RAG1 protein (p.Gly139Val). This variant is present in population databases (rs140648865, gnomAD 0.002%). This variant has not been reported in the literature in individuals affected with RAG1-related conditions. ClinVar contains an entry for this variant (Variation ID: 636468). Advanced modeling of protein sequence and biophysical properties (such as structural, functional, and spatial information, amino acid conservation, physicochemical variation, residue mobility, and thermodynamic stability) performed at Invitae indicates that this missense variant is not expected to disrupt RAG1 protein function. In summary, the available evidence is currently insufficient to determine the role of this variant in disease. Therefore, it has been classified as a Variant of Uncertain Significance.

Blueprint Genetics
Classification: Uncertain significance. Last evaluated: 2021-04-19. Review status: criteria provided, single submitter. Criteria: ACMG Guidelines, 2015. Collection method: clinical testing. Allele origin: germline.